The following is an entry in ClinVar:

ClinVar aggregate classification (germline): Uncertain significance (1 of 4 stars; one submission).

Conditions:
Hereditary cancer-predisposing syndrome. Also called: Tumor predisposition; Hereditary Cancer Syndrome; Hereditary neoplastic syndrome; Neoplastic Syndromes, Hereditary. Identifiers: Orphanet 140162, MedGen C0027672, MeSH D009386, MONDO:0015356.

Submission:

Ambry Genetics
Classification: Uncertain significance for Hereditary cancer-predisposing syndrome. Last evaluated: 2025-10-10. Review status: criteria provided, single submitter. Criteria: Ambry Variant Classification Scheme 2023. Collection method: clinical testing. Allele origin: germline.
Comment: The p.C654Y variant (also known as c.1961G>A), located in coding exon 15 of the SDHA gene, results from a G to A substitution at nucleotide position 1961. The cysteine at codon 654 is replaced by tyrosine, an amino acid with highly dissimilar properties. This amino acid position is conserved. In addition, this alteration is predicted to be deleterious by in silico analysis. Based on the available evidence, the clinical significance of this variant remains unclear.

NM_004168.4(SDHA):c.1961G>A (p.Cys654Tyr)

Gene: SDHA (succinate dehydrogenase complex flavoprotein subunit A; plus strand). Cytogenetic location: 5p15.33.
Variant type: single nucleotide variant.
Coding change: c.1961G>A on transcript NM_004168.4 (MANE Select); coding-DNA position 1961, G replaced by A.
Protein change: p.Cys654Tyr; replaces cysteine 654 with tyrosine.
Molecular consequence: missense variant.
Genome position (GRCh38, 1-based): chr5:256,386, G>A. VCF-style: chr5-256386-G-A. GRCh37 (hg19) VCF-style: chr5-256501-G-A.
Other names: c.1817G>A, p.Cys606Tyr (NM_001294332.2); c.1718G>A, p.Cys573Tyr (NM_001330758.2); short protein forms C573Y, C606Y, C654Y.
Identifiers: ClinVar variation 4546796 (VCV004546796.1).
Genomic context (GRCh38, chr5:256,386, plus strand): 5'-TTTTCAAGGTCACTCTGGAATATAGACCCGTGATCGACAAAACTTTGAACGAGGCTGACT[G>A]TGCCACCGTCCCGCCAGCCATTCGCTCCTACTGATGAGACAAGATGTGGTGATGACAGAA-3'
Protein context (NP_004159.2, residues 644-664): VIDKTLNEAD[Cys654Tyr]ATVPPAIRSY